The following is an entry in ClinVar:

ClinVar aggregate classification (germline): Uncertain significance (1 of 4 stars; one submission).

Conditions:
DTNA-related disorder. Also called: DTNA-related condition.

Submission:

PreventionGenetics, part of Exact Sciences
Classification: Uncertain significance for DTNA-related condition. Last evaluated: 2026-07-07. Review status: criteria provided, single submitter. Criteria: ACMG Guidelines, 2015. Collection method: clinical testing. Allele origin: germline.
Comment: The DTNA c.220C>T variant is predicted to result in the amino acid substitution p.Arg74Cys. To our knowledge, this variant has not been reported in the literature. This variant is reported in 0.0068% of alleles in individuals of African descent in gnomAD. At this time, the clinical significance of this variant is uncertain due to the absence of conclusive functional and genetic evidence.

NM_001386795.1(DTNA):c.1174C>T (p.Arg392Cys)

Gene: DTNA (dystrobrevin alpha; plus strand). Cytogenetic location: 18q12.1.
Variant type: single nucleotide variant.
Coding change: c.1174C>T on transcript NM_001386795.1 (MANE Select); coding-DNA position 1174, C replaced by T.
Protein change: p.Arg392Cys; replaces arginine 392 with cysteine.
Molecular consequence: missense variant. On other transcripts: intron variant (27).
Genome position (GRCh38, 1-based): chr18:34,829,488, C>T. VCF-style: chr18-34829488-C-T. GRCh37 (hg19) VCF-style: chr18-32409452-C-T.
Other names: c.220C>T, p.Arg74Cys (NM_001198942.1, NM_001198944.1); c.1174C>T, p.Arg392Cys (NM_001386754.1, NM_001386755.1, NM_001386756.1 and 6 more transcripts); c.1094+1812C>T (NM_032975.4, NM_001386761.1, NM_001386762.1 and 3 more transcripts); c.1085+1812C>T (NM_001386763.1, NM_001386764.1, NM_001386768.1 and 14 more transcripts); c.603+17375C>T (NM_001198945.2); c.335+1812C>T (NM_001198943.1); c.131+1812C>T (NM_032980.4, NM_032981.5); short protein forms R392C, R74C.
Identifiers: ClinVar variation 4988986 (VCV004988986.1).